The following is an entry in ClinVar:

NM_004714.3(DYRK1B):c.1599G>T (p.Ser533=)

Gene: DYRK1B (dual specificity tyrosine phosphorylation regulated kinase 1B; minus strand). Cytogenetic location: 19q13.2.
Variant type: single nucleotide variant.
Coding change: c.1599G>T on transcript NM_004714.3 (MANE Select); coding-DNA position 1599, G replaced by T.
Protein change: p.Ser533=; no amino-acid change (serine 533 retained).
Molecular consequence: synonymous variant.
Genome position (GRCh38, 1-based): chr19:39,826,006, C>A on the plus strand (G>T on the coding strand, the complement: DYRK1B is on the minus strand). VCF-style: chr19-39826006-C-A. GRCh37 (hg19) VCF-style: chr19-40316646-C-A.
Other names: c.1479G>T, p.Ser493= (NM_006483.3); c.1515G>T, p.Ser505= (NM_006484.3).
Identifiers: ClinVar variation 4987840 (VCV004987840.1).

ClinVar aggregate classification (germline): Likely benign (1 of 4 stars; one submission).

Conditions:
DYRK1B-related disorder. Also called: DYRK1B-related condition.

Submission:

PreventionGenetics, part of Exact Sciences
Classification: Likely benign for DYRK1B-related condition. Last evaluated: 2025-04-03. Review status: criteria provided, single submitter. Criteria: ACMG Guidelines, 2015. Collection method: clinical testing. Allele origin: germline.
Comment: This variant is classified as likely benign based on ACMG/AMP sequence variant interpretation guidelines (Richards et al. 2015 PMID: 25741868, with internal and published modifications).